The following is an entry in ClinVar:

NM_000038.6(APC):c.232G>C (p.Asp78His)

Gene: APC (APC regulator of Wnt signaling pathway; plus strand). Cytogenetic location: 5q22.2.
Variant type: single nucleotide variant.
Coding change: c.232G>C on transcript NM_000038.6 (MANE Select); coding-DNA position 232, G replaced by C.
Protein change: p.Asp78His; replaces aspartic acid 78 with histidine.
Molecular consequence: missense variant. On other transcripts: 5 prime UTR variant (1).
Genome position (GRCh38, 1-based): chr5:112,767,200, G>C. VCF-style: chr5-112767200-G-C. GRCh37 (hg19) VCF-style: chr5-112102897-G-C.
Other names: c.232G>C, p.Asp78His (NM_001127510.3, NM_001354895.2, NM_001354896.2 and 2 more transcripts); c.262G>C, p.Asp88His (NM_001127511.3, NM_001354897.2, NM_001354902.2); c.157G>C, p.Asp53His (NM_001354898.2, NM_001354904.2); c.55G>C, p.Asp19His (NM_001354900.2, NM_001354901.2, NM_001354905.2); c.-804G>C (NM_001354906.2); short protein forms D19H, D53H, D78H, D88H.
Identifiers: ClinVar variation 1199077 (VCV001199077.11), dbSNP rs1253209514, ClinGen allele CA16021849.
Genomic context (GRCh38, chr5:112,767,200, plus strand): 5'-GACTGCTTAAAGCAATTGTTGTATAAAAACTTGTTTCTATTTTATTTAGAGCTTAACTTA[G>C]ATAGCAGTAATTTCCCTGGAGTAAAACTGCGGTCAAAAATGTCCCTCCGTTCTTATGGAA-3'
Protein context (NP_000029.2, residues 68-88): LLERLKELNL[Asp78His]SSNFPGVKLR

ClinVar aggregate classification (germline): Uncertain significance. Review status: criteria provided, multiple submitters, no conflicts (2 of 4 stars). 4 submissions from 4 submitters: Uncertain significance (4). Last evaluated 2024-12-18.

Conditions:
Classic or attenuated familial adenomatous polyposis. Identifiers: MedGen CN372698, MONDO:0021057.
Familial adenomatous polyposis 1 (FAP1). Also called: FAMILIAL ADENOMATOUS POLYPOSIS 1, ATTENUATED; POLYPOSIS, ADENOMATOUS INTESTINAL. Identifiers: MedGen C2713442, MONDO:0021056, OMIM 175100. Disease mechanism: loss of function.
Hereditary cancer-predisposing syndrome. Also called: Neoplastic Syndromes, Hereditary; Hereditary neoplastic syndrome; Hereditary Cancer Syndrome; Tumor predisposition. Identifiers: Orphanet 140162, MedGen C0027672, MeSH D009386, MONDO:0015356.

Allele frequency attached by ClinVar (database versions not stated): TOPMed below 0.00001.
gnomAD v4.1: 1 of 1,613,756 alleles (0.000062%); highest among the groups gnomAD compares: Non-Finnish European, 0.000085%; no homozygotes.

Submissions (4):

Labcorp Genetics (formerly Invitae), Labcorp
Classification: Uncertain significance for Familial adenomatous polyposis 1. Last evaluated: 2024-12-18. Review status: criteria provided, single submitter. Criteria: Invitae Variant Classification Sherloc (09022015). Collection method: clinical testing. Allele origin: germline.
Comment: This sequence change replaces aspartic acid, which is acidic and polar, with histidine, which is basic and polar, at codon 78 of the APC protein (p.Asp78His). This variant is not present in population databases (gnomAD no frequency). This variant has not been reported in the literature in individuals affected with APC-related conditions. ClinVar contains an entry for this variant (Variation ID: 1199077). Invitae Evidence Modeling of protein sequence and biophysical properties (such as structural, functional, and spatial information, amino acid conservation, physicochemical variation, residue mobility, and thermodynamic stability) indicates that this missense variant is not expected to disrupt APC protein function with a negative predictive value of 95%. In summary, the available evidence is currently insufficient to determine the role of this variant in disease. Therefore, it has been classified as a Variant of Uncertain Significance.

Ambry Genetics
Classification: Uncertain significance for Hereditary cancer-predisposing syndrome. Last evaluated: 2024-06-05. Review status: criteria provided, single submitter. Criteria: Ambry Variant Classification Scheme 2023. Collection method: clinical testing. Allele origin: germline.
Comment: The p.D78H variant (also known as c.232G>C), located in coding exon 3 of the APC gene, results from a G to C substitution at nucleotide position 232. The aspartic acid at codon 78 is replaced by histidine, an amino acid with similar properties. This amino acid position is well conserved in available vertebrate species. In addition, in silico predictors for this gene do not accurately predict pathogenicity. Missense alterations in APC are not a common cause of disease (Spier I et al. Genet Med. 2024 Feb;26(2):100992). Based on the available evidence, the clinical significance of this variant remains unclear.

All of Us Research Program, National Institutes of Health
Classification: Uncertain significance for Classic or attenuated familial adenomatous polyposis. Last evaluated: 2023-05-04. Review status: criteria provided, single submitter. Criteria: ACMG Guidelines, 2015. Collection method: clinical testing. Allele origin: germline. Inheritance: Autosomal dominant inheritance. Observed: 1 variant allele, 1 heterozygote.
Comment: This missense variant replaces aspartic acid with histidine at codon 78 of the APC protein. Computational prediction suggests that this variant may not impact protein structure and function (internally defined REVEL score threshold <= 0.5, PMID: 27666373). To our knowledge, functional studies have not been reported for this variant. This variant has not been reported in individuals affected with APC-related disorders in the literature. This variant has not been identified in the general population by the Genome Aggregation Database (gnomAD). The available evidence is insufficient to determine the role of this variant in disease conclusively. Therefore, this variant is classified as a Variant of Uncertain Significance.

This study involves interpretation of variants in research participants for the purpose of population health screening. Participant phenotype was not available at the time of variant classification. Additional details can be found in publication PMID: 35346344, PMCID: PMC8962531

GeneDx
Classification: Uncertain significance. Last evaluated: 2019-10-11. Review status: criteria provided, single submitter. Criteria: GeneDx Variant Classification Process June 2021. Collection method: clinical testing. Allele origin: germline. Affected: yes.
Comment: Not observed in large population cohorts (Lek et al., 2016); In silico analysis, which includes protein predictors and evolutionary conservation, supports a deleterious effect; Has not been previously published as pathogenic or benign to our knowledge